The following is an entry in ClinVar:

ClinVar aggregate classification (germline): Likely benign (1 of 4 stars; one submission).

Submission:

GeneDx
Classification: Likely benign. Last evaluated: 2017-03-20. Review status: criteria provided, single submitter. Criteria: GeneDx Variant Classification (06012015). Collection method: clinical testing. Allele origin: germline. Affected: yes.
Comment: This variant is considered likely benign or benign based on one or more of the following criteria: it is a conservative change, it occurs at a poorly conserved position in the protein, it is predicted to be benign by multiple in silico algorithms, and/or has population frequency not consistent with disease.

NM_005431.2(XRCC2):c.-27T>C

Gene: XRCC2 (X-ray repair cross complementing 2; minus strand). Cytogenetic location: 7q36.1.
Variant type: single nucleotide variant.
Coding change: c.-27T>C on transcript NM_005431.2 (MANE Select); 27 bases upstream of the start codon, T replaced by C.
Molecular consequence: 5 prime UTR variant.
Genome position (GRCh38, 1-based): chr7:152,676,106, A>G on the plus strand (T>C on the coding strand, the complement: XRCC2 is on the minus strand). VCF-style: chr7-152676106-A-G. GRCh37 (hg19) VCF-style: chr7-152373191-A-G.
Identifiers: ClinVar variation 508256 (VCV000508256.1), dbSNP rs1227014815, ClinGen allele CA658797065.